The following is an entry in ClinVar:

NM_032242.4(PLXNA1):c.639C>T (p.Ala213=)

Gene: PLXNA1 (plexin A1; plus strand). Cytogenetic location: 3q21.3.
Variant type: single nucleotide variant.
Coding change: c.639C>T on transcript NM_032242.4 (MANE Select); coding-DNA position 639, C replaced by T.
Protein change: p.Ala213=; no amino-acid change (alanine 213 retained).
Molecular consequence: synonymous variant.
Genome position (GRCh38, 1-based): chr3:126,989,232, C>T. VCF-style: chr3-126989232-C-T. GRCh37 (hg19) VCF-style: chr3-126708075-C-T.
Other names: c.639C>T (NM_032242.3).
Identifiers: ClinVar variation 2960111 (VCV002960111.4), dbSNP rs753021262, ClinGen allele CA2593012.

ClinVar aggregate classification (germline): Likely benign. Review status: criteria provided, single submitter (1 of 4 stars). 2 submissions from 2 submitters: Likely benign (1). 1 of the submissions does not count toward it. Last evaluated 2023-04-10.

Conditions:
PLXNA1-related disorder. Also called: PLXNA1-related condition.

Allele frequency attached by ClinVar (database versions not stated): ExAC 0.00004.

Submissions (2):

Labcorp Genetics (formerly Invitae), Labcorp
Classification: Likely benign. Last evaluated: 2023-04-10. Review status: criteria provided, single submitter. Criteria: Invitae Variant Classification Sherloc (09022015). Collection method: clinical testing. Allele origin: germline.

PreventionGenetics, part of Exact Sciences
Classification: Likely benign for PLXNA1-related condition. Last evaluated: 2021-12-09. Review status: no assertion criteria provided. Collection method: clinical testing. Allele origin: germline. Not counted in ClinVar's aggregate classification.
Comment: This variant is classified as likely benign based on ACMG/AMP sequence variant interpretation guidelines (Richards et al. 2015 PMID: 25741868, with internal and published modifications).